The following is an entry in ClinVar:

NM_004006.3(DMD):c.10975G>A (p.Val3659Met)

Gene: DMD (dystrophin; minus strand). Cytogenetic location: Xp21.2.
Variant type: single nucleotide variant.
Coding change: c.10975G>A on transcript NM_004006.3 (MANE Select); coding-DNA position 10975, G replaced by A.
Protein change: p.Val3659Met; replaces valine 3659 with methionine.
Molecular consequence: missense variant.
Genome position (GRCh38, 1-based): chrX:31,134,141, C>T on the plus strand (G>A on the coding strand, the complement: DMD is on the minus strand). VCF-style: chrX-31134141-C-T. GRCh37 (hg19) VCF-style: chrX-31152258-C-T.
Other names: c.10951G>A, p.Val3651Met (NM_000109.4); c.10963G>A, p.Val3655Met (NM_004009.3); c.10606G>A, p.Val3536Met (NM_004010.3); c.6952G>A, p.Val2318Met (NM_004011.4); c.6943G>A, p.Val2315Met (NM_004012.4); c.3595G>A, p.Val1199Met (NM_004013.3, NM_004021.3); c.2788G>A, p.Val930Met (NM_004014.3); c.1771G>A, p.Val591Met (NM_004015.3, NM_004016.3); and 3 more; short protein forms V3659M, V1089M, V2315M, V2318M, V3536M, V3651M, V578M, V930M.
Identifiers: ClinVar variation 409895 (VCV000409895.53), dbSNP rs768532317, ClinGen allele CA10377496.
Genomic context (GRCh38, chrX:31,134,141, plus strand): 5'-CTTCTAGGTATTGGAGCTTACCTCTTGAACTAGGGAAGGAGTTGTTGAGTTGCTCCATCA[C>T]CTCCTCTAACCCTGTGCTTGTGTCCTGGGGAGGACTGAGAAGATCTTCCTCACCTTAATA-3'
Protein context (NP_003997.2, residues 3649-3669): PQDTSTGLEE[Val3659Met]MEQLNNSFPS

ClinVar aggregate classification (germline): Conflicting classifications of pathogenicity. Review status: criteria provided, conflicting classifications (1 of 4 stars). 5 submissions from 5 submitters: Uncertain significance (3); Likely benign (1). 1 of the submissions does not count toward it. Last evaluated 2026-01-16.

Conditions:
Becker muscular dystrophy (BMD). Also called: Becker Muscular Dystrophy (BMD); MUSCULAR DYSTROPHY, PSEUDOHYPERTROPHIC PROGRESSIVE, BECKER TYPE. Identifiers: Orphanet 98895, MedGen C0917713, MONDO:0010311, OMIM 300376.
Duchenne muscular dystrophy (DMD). Also called: Duchenne Muscular Dystrophy (DMD); MUSCULAR DYSTROPHY, PSEUDOHYPERTROPHIC PROGRESSIVE, DUCHENNE TYPE. Identifiers: Orphanet 98896, MedGen C0013264, MONDO:0010679, OMIM 310200.
Dystrophin deficiency.
Cardiomyopathy (CMYO). Also called: Cardiomyopathies. Identifiers: Orphanet 167848, MedGen C0878544, MONDO:0004994, HP:0001638. Inheritance: Various modes of inheritance.
Cardiovascular phenotype. Identifiers: MedGen CN230736.

Allele frequency attached by ClinVar (database versions not stated): ExAC 0.00001; gnomAD exomes 0.00001 and 0.00002; TOPMed 0.00001.
gnomAD v4.1: 9 of 1,211,371 alleles (0.00074%); highest among the groups gnomAD compares: Middle Eastern, 0.14%; no homozygotes.

Submissions (5):

Labcorp Genetics (formerly Invitae), Labcorp
Classification: Likely benign for Duchenne muscular dystrophy. Last evaluated: 2026-01-16. Review status: criteria provided, single submitter. Criteria: Invitae Variant Classification Sherloc (09022015). Collection method: clinical testing. Allele origin: germline.

CeGaT Center for Human Genetics Tuebingen
Classification: Uncertain significance. Last evaluated: 2024-03-01. Review status: criteria provided, single submitter. Criteria: CeGaT Center For Human Genetics Tuebingen Variant Classification Criteria Version 2. Collection method: clinical testing. Allele origin: germline. Affected: yes. Observed: 2 variant alleles.
Comment: DMD: PM2

Ambry Genetics
Classification: Uncertain significance for Cardiovascular phenotype. Last evaluated: 2024-01-12. Review status: criteria provided, single submitter. Criteria: Ambry Variant Classification Scheme 2023. Collection method: clinical testing. Allele origin: germline.
Comment: The p.V3659M variant (also known as c.10975G>A), located in coding exon 77 of the DMD gene, results from a G to A substitution at nucleotide position 10975. The valine at codon 3659 is replaced by methionine, an amino acid with highly similar properties. This variant (referred to as c.10606G>A, p.V3536M) has been detected in a peripartum cardiomyopathy cohort; however details were limited (Goli R et al. Circulation, 2021 May;143:1852-1862). Based on data from gnomAD, the A allele has an overall frequency of 0.0016% (3/182595) total alleles studied, with no hemizygote(s) observed. The highest observed frequency was 0.0037% (3/81346) of European (non-Finnish) alleles. This amino acid position is highly conserved in available vertebrate species. In addition, the in silico prediction for this alteration is inconclusive. Since supporting evidence is limited at this time, the clinical significance of this alteration remains unclear.

Revvity Omics, Revvity
Classification: Uncertain significance. Last evaluated: 2019-05-03. Review status: criteria provided, single submitter. Criteria: ACMG Guidelines, 2015. Collection method: clinical testing. Allele origin: germline.

Natera, Inc.
Classification: Uncertain significance for Becker muscular dystrophy; Cardiomyopathy; Duchenne muscular dystrophy; Dystrophin deficiency. Last evaluated: 2020-05-12. Review status: no assertion criteria provided. Collection method: clinical testing. Allele origin: germline. Not counted in ClinVar's aggregate classification.

Literature cited by the submitters: PubMed 33874732 (cited by Ambry Genetics).